The following is an entry in ClinVar:

NM_000152.5(GAA):c.2190-1139A>G

Gene: GAA (alpha glucosidase; plus strand). Cytogenetic location: 17q25.3.
Variant type: single nucleotide variant.
Coding change: c.2190-1139A>G on transcript NM_000152.5 (MANE Select); 1139 bases into the intron before coding-DNA position 2190, A replaced by G.
Molecular consequence: intron variant.
Genome position (GRCh38, 1-based): chr17:80,115,829, A>G. VCF-style: chr17-80115829-A-G. GRCh37 (hg19) VCF-style: chr17-78089628-A-G.
Other names: c.2190-1139A>G (NM_001406741.1, NM_001406742.1, NM_001079803.3 and 1 more transcripts).
Identifiers: ClinVar variation 4876371 (VCV004876371.1).

ClinVar aggregate classification (germline): Benign (1 of 4 stars; one submission).

Conditions:
Glycogen storage disease, type II (IOPD). Also called: Pompe Disease; CARDIOMEGALIA GLYCOGENICA DIFFUSA; GLYCOGENOSIS, GENERALIZED, CARDIAC FORM; GSD II; POMPE DISEASE, INFANTILE-ONSET; GLYCOGEN STORAGE DISEASE II, INFANTILE-ONSET. Identifiers: Orphanet 365, MedGen C0017921, MONDO:0009290, OMIM 232300.

gnomAD v4.1: 1,142 of 152,262 alleles (0.75%); highest among the groups gnomAD compares: African/African-American, 2.5%; 11 homozygotes.

Submission:

Genomenon, Inc
Classification: Benign for Glycogen storage disease, type II. Last evaluated: 2026-07-01. Review status: criteria provided, single submitter. Criteria: Genomenon Sequence Variant Interpretation Standards - Updated. Collection method: curation. Allele origin: germline. Affected: no.
Comment: GAA c.2190-1139A>G is an intronic variant located in intron 15. This variant is present at high allele frequency in population databases. We classify GAA c.2190-1139A>G as a benign variant.